The following is an entry in ClinVar:

NM_015915.5(ATL1):c.1430G>C (p.Cys477Ser)

Gene: ATL1 (atlastin GTPase 1; plus strand). Cytogenetic location: 14q22.1.
Variant type: single nucleotide variant.
Coding change: c.1430G>C on transcript NM_015915.5 (MANE Select); coding-DNA position 1430, G replaced by C.
Protein change: p.Cys477Ser; replaces cysteine 477 with serine.
Molecular consequence: missense variant.
Genome position (GRCh38, 1-based): chr14:50,628,341, G>C. VCF-style: chr14-50628341-G-C. GRCh37 (hg19) VCF-style: chr14-51095059-G-C.
Other names: c.1430G>C, p.Cys477Ser (NM_001127713.1, NM_181598.4); short protein forms C477S.
Identifiers: ClinVar variation 2580738 (VCV002580738.3), dbSNP rs755310565, ClinGen allele CA389676267.
Genomic context (GRCh38, chr14:50,628,341, plus strand): 5'-TCACATATGTGATTGCTGGTGTGACTGGATTCATTGGTTTGGACATCATAGCTAGCCTAT[G>C]CAATATGATAATGGGACTGACCCTTATCACCCTGTGCACTTGGGCATATATCCGGTACTC-3'
Protein context (NP_056999.2, residues 467-487): FIGLDIIASL[Cys477Ser]NMIMGLTLIT

ClinVar aggregate classification (germline): Uncertain significance. Review status: criteria provided, multiple submitters, no conflicts (2 of 4 stars). 2 submissions from 2 submitters: Uncertain significance (2). Last evaluated 2024-08-02.

Conditions:
Hereditary spastic paraplegia 3A (SPG3A). Also called: SPG3; STRUMPELL DISEASE; SPASTIC PARAPLEGIA 3, AUTOSOMAL DOMINANT; FAMILIAL SPASTIC PARAPLEGIA, AUTOSOMAL DOMINANT, 1; Spastic Paraplegia 3A; Spastic paraplegia 3A, autosomal dominant. Identifiers: Orphanet 100984, MedGen C2931355, MONDO:0008437, OMIM 182600.

Allele frequency attached by ClinVar (database versions not stated): gnomAD exomes below 0.00001.
gnomAD v4.1: 3 of 1,614,156 alleles (0.00019%); highest among the groups gnomAD compares: Non-Finnish European, 0.00025%; no homozygotes.

Submissions (2):

Labcorp Genetics (formerly Invitae), Labcorp
Classification: Uncertain significance for Hereditary spastic paraplegia 3A. Last evaluated: 2024-08-02. Review status: criteria provided, single submitter. Criteria: Invitae Variant Classification Sherloc (09022015). Collection method: clinical testing. Allele origin: germline.
Comment: This sequence change replaces cysteine, which is neutral and slightly polar, with serine, which is neutral and polar, at codon 477 of the ATL1 protein (p.Cys477Ser). This variant is not present in population databases (gnomAD no frequency). This variant has not been reported in the literature in individuals affected with ATL1-related conditions. ClinVar contains an entry for this variant (Variation ID: 2580738). Advanced modeling of protein sequence and biophysical properties (such as structural, functional, and spatial information, amino acid conservation, physicochemical variation, residue mobility, and thermodynamic stability) performed at Invitae indicates that this missense variant is not expected to disrupt ATL1 protein function with a negative predictive value of 80%. In summary, the available evidence is currently insufficient to determine the role of this variant in disease. Therefore, it has been classified as a Variant of Uncertain Significance.

GeneDx
Classification: Uncertain significance. Last evaluated: 2023-03-24. Review status: criteria provided, single submitter. Criteria: GeneDx Variant Classification Process June 2021. Collection method: clinical testing. Allele origin: germline. Affected: yes.
Comment: Not observed at significant frequency in large population cohorts (gnomAD); In silico analysis supports that this missense variant has a deleterious effect on protein structure/function; Has not been previously published as pathogenic or benign to our knowledge